The following is an entry in ClinVar:

NM_001013703.4(EIF2AK4):c.859+7A>G

Gene: EIF2AK4 (eukaryotic translation initiation factor 2 alpha kinase 4; plus strand). Cytogenetic location: 15q15.1.
Variant type: single nucleotide variant.
Coding change: c.859+7A>G on transcript NM_001013703.4 (MANE Select); 7 bases into the intron after coding-DNA position 859, A replaced by G.
Molecular consequence: intron variant.
Genome position (GRCh38, 1-based): chr15:39,961,906, A>G. VCF-style: chr15-39961906-A-G. GRCh37 (hg19) VCF-style: chr15-40254107-A-G.
Identifiers: ClinVar variation 774494 (VCV000774494.12), dbSNP rs201702845, ClinGen allele CA7473639.

ClinVar aggregate classification (germline): Benign/Likely benign. Review status: criteria provided, multiple submitters, no conflicts (2 of 4 stars). 3 submissions from 3 submitters: Benign (1); Likely benign (1). 1 of the submissions does not count toward it. Last evaluated 2025-09-03.

Conditions:
EIF2AK4-related disorder. Also called: EIF2AK4-related condition.

Allele frequency attached by ClinVar (database versions not stated): 1000 Genomes Project 30x 0.00047; ESP Exome Variant Server 0.00058; 1000 Genomes Project 0.00060; gnomAD 0.00092 and 0.00100; TOPMed 0.00097.
gnomAD v4.1: 270 of 1,596,814 alleles (0.017%); highest among the groups gnomAD compares: African/African-American, 0.3%; 1 homozygote.

Submissions (3):

Labcorp Genetics (formerly Invitae), Labcorp
Classification: Benign. Last evaluated: 2025-09-03. Review status: criteria provided, single submitter. Criteria: Invitae Variant Classification Sherloc (09022015). Collection method: clinical testing. Allele origin: germline.

Blueprint Genetics
Classification: Likely benign. Last evaluated: 2024-01-09. Review status: criteria provided, single submitter. Criteria: ACMG Guidelines, 2015. Collection method: clinical testing. Allele origin: germline.

PreventionGenetics, part of Exact Sciences
Classification: Likely benign for EIF2AK4-related condition. Last evaluated: 2022-04-19. Review status: no assertion criteria provided. Collection method: clinical testing. Allele origin: germline. Not counted in ClinVar's aggregate classification.
Comment: This variant is classified as likely benign based on ACMG/AMP sequence variant interpretation guidelines (Richards et al. 2015 PMID: 25741868, with internal and published modifications).